The following is an entry in ClinVar:

NM_005267.5(GJA8):c.615C>T (p.Phe205=)

Gene: GJA8 (gap junction protein alpha 8; plus strand). Cytogenetic location: 1q21.2.
Variant type: single nucleotide variant.
Coding change: c.615C>T on transcript NM_005267.5 (MANE Select); coding-DNA position 615, C replaced by T.
Protein change: p.Phe205=; no amino-acid change (phenylalanine 205 retained).
Molecular consequence: synonymous variant.
Genome position (GRCh38, 1-based): chr1:147,908,570, C>T. VCF-style: chr1-147908570-C-T. GRCh37 (hg19) VCF-style: chr1-147380697-C-T.
Identifiers: ClinVar variation 4997515 (VCV004997515.1).

ClinVar aggregate classification (germline): Likely benign (1 of 4 stars; one submission).

Conditions:
GJA8-related disorder. Also called: GJA8-related condition.

Submission:

PreventionGenetics, part of Exact Sciences
Classification: Likely benign for GJA8-related condition. Last evaluated: 2025-06-04. Review status: criteria provided, single submitter. Criteria: ACMG Guidelines, 2015. Collection method: clinical testing. Allele origin: germline.
Comment: This variant is classified as likely benign based on ACMG/AMP sequence variant interpretation guidelines (Richards et al. 2015 PMID: 25741868, with internal and published modifications).